The following is an entry in ClinVar:

NM_194293.4(XIRP1):c.498C>T (p.Asp166=)

Gene: XIRP1 (xin actin binding repeat containing 1; minus strand). Cytogenetic location: 3p22.2.
Variant type: single nucleotide variant.
Coding change: c.498C>T on transcript NM_194293.4 (MANE Select); coding-DNA position 498, C replaced by T.
Protein change: p.Asp166=; no amino-acid change (aspartic acid 166 retained).
Molecular consequence: synonymous variant. On other transcripts: intron variant (1).
Genome position (GRCh38, 1-based): chr3:39,188,948, G>A on the plus strand (C>T on the coding strand, the complement: XIRP1 is on the minus strand). VCF-style: chr3-39188948-G-A. GRCh37 (hg19) VCF-style: chr3-39230439-G-A.
Other names: c.498C>T, p.Asp166= (NM_001198621.4); c.-167-3287C>T (NM_001351377.2).
Identifiers: ClinVar variation 3055780 (VCV003055780.2), dbSNP rs115099187, ClinGen allele CA2326723.

ClinVar aggregate classification (germline): Benign (0 of 4 stars; one submission).

Conditions:
XIRP1-related disorder. Also called: XIRP1-related condition.

Allele frequency attached by ClinVar (database versions not stated): 1000 Genomes Project 30x 0.01889; 1000 Genomes Project 0.01937; ESP Exome Variant Server 0.04283.
gnomAD v4.1: 88,108 of 1,613,504 alleles (5.5%); highest among the groups gnomAD compares: Non-Finnish European, 6.2%; 2,825 homozygotes.

Submission:

PreventionGenetics, part of Exact Sciences
Classification: Benign for XIRP1-related condition. Last evaluated: 2019-05-06. Review status: no assertion criteria provided. Collection method: clinical testing. Allele origin: germline.
Comment: This variant is classified as benign based on ACMG/AMP sequence variant interpretation guidelines (Richards et al. 2015 PMID: 25741868, with internal and published modifications).